The following is an entry in ClinVar:

NM_005677.4(COLQ):c.682G>T (p.Gly228Ter)

Gene: COLQ (collagen like tail subunit of asymmetric acetylcholinesterase; minus strand). Cytogenetic location: 3p25.1.
Variant type: single nucleotide variant.
Coding change: c.682G>T on transcript NM_005677.4 (MANE Select); coding-DNA position 682, G replaced by T.
Protein change: p.Gly228Ter; replaces glycine 228 with a stop codon.
Molecular consequence: nonsense.
Genome position (GRCh38, 1-based): chr3:15,470,571, C>A on the plus strand (G>T on the coding strand, the complement: COLQ is on the minus strand). VCF-style: chr3-15470571-C-A. GRCh37 (hg19) VCF-style: chr3-15512078-C-A.
Other names: c.652G>T, p.Gly218Ter (NM_080538.2); c.580G>T, p.Gly194Ter (NM_080539.4); short protein forms G218*, G194*, G228*.
Identifiers: ClinVar variation 2018622 (VCV002018622.4), dbSNP rs1415796305, ClinGen allele CA351598008.

ClinVar aggregate classification (germline): Pathogenic (1 of 4 stars; one submission).

Conditions:
Congenital myasthenic syndrome 5. Identifiers: Orphanet 590, MedGen C1864233, MONDO:0011281, OMIM 603034.

Submission:

Labcorp Genetics (formerly Invitae), Labcorp
Classification: Pathogenic for Congenital myasthenic syndrome 5. Last evaluated: 2022-07-21. Review status: criteria provided, single submitter. Criteria: Invitae Variant Classification Sherloc (09022015). Collection method: clinical testing. Allele origin: germline.
Comment: For these reasons, this variant has been classified as Pathogenic. This variant has not been reported in the literature in individuals affected with COLQ-related conditions. This variant is not present in population databases (gnomAD no frequency). This sequence change creates a premature translational stop signal (p.Gly228*) in the COLQ gene. It is expected to result in an absent or disrupted protein product. Loss-of-function variants in COLQ are known to be pathogenic (PMID: 22678886).

Literature cited by the submitters: PubMed 22678886.